The following is an entry in ClinVar:

ClinVar aggregate classification (germline): Uncertain significance (1 of 4 stars; one submission).

Submission:

Labcorp Genetics (formerly Invitae), Labcorp
Classification: Uncertain significance. Last evaluated: 2024-08-07. Review status: criteria provided, single submitter. Criteria: Invitae Variant Classification Sherloc (09022015). Collection method: clinical testing. Allele origin: germline.
Comment: This sequence change creates a premature translational stop signal (p.Gln230*) in the LAT gene. While this is not anticipated to result in nonsense mediated decay, it is expected to disrupt the last 4 amino acid(s) of the LAT protein. The frequency data for this variant in the population databases is considered unreliable, as metrics indicate poor data quality at this position in the gnomAD database. This variant has not been reported in the literature in individuals affected with LAT-related conditions. Experimental studies and prediction algorithms are not available or were not evaluated, and the functional significance of this variant is currently unknown. Algorithms developed to predict the effect of sequence changes on RNA splicing suggest that this variant may disrupt the consensus splice site. In summary, the available evidence is currently insufficient to determine the role of this variant in disease. Therefore, it has been classified as a Variant of Uncertain Significance.

NM_001014987.2(LAT):c.688C>T (p.Gln230Ter)

Gene: LAT (linker for activation of T cells; plus strand). Cytogenetic location: 16p11.2.
Variant type: single nucleotide variant.
Coding change: c.688C>T on transcript NM_001014987.2 (MANE Select); coding-DNA position 688, C replaced by T.
Protein change: p.Gln230Ter; replaces glutamine 230 with a stop codon.
Molecular consequence: nonsense.
Genome position (GRCh38, 1-based): chr16:28,989,998, C>T. VCF-style: chr16-28989998-C-T. GRCh37 (hg19) VCF-style: chr16-29001319-C-T.
Other names: c.685C>T, p.Gln229Ter (NM_001014988.2); c.796C>T, p.Gln266Ter (NM_001014989.2); c.775C>T, p.Gln259Ter (NM_014387.4); short protein forms Q229*, Q259*, Q230*, Q266*.
Identifiers: ClinVar variation 3661696 (VCV003661696.2).
Genomic context (GRCh38, chr16:28,989,998, plus strand): 5'-CTGAGTTCCCAGGAGGCAGAGGAAGTGGAGGAAGAGGGGGCTCCAGATTACGAGAATCTG[C>T]AGGAGCTGAACTGAGGGCCTGGTGAGAGGCCTGCCCTGTCCCCACCCTGCCCTGGGCCCA-3'